The following is an entry in ClinVar:

NM_001690.4(ATP6V1A):c.1745C>G (p.Ser582Cys)

Gene: ATP6V1A (ATPase H+ transporting V1 subunit A; plus strand). Cytogenetic location: 3q13.31.
Variant type: single nucleotide variant.
Coding change: c.1745C>G on transcript NM_001690.4 (MANE Select); coding-DNA position 1745, C replaced by G.
Protein change: p.Ser582Cys; replaces serine 582 with cysteine.
Molecular consequence: missense variant.
Genome position (GRCh38, 1-based): chr3:113,805,509, C>G. VCF-style: chr3-113805509-C-G. GRCh37 (hg19) VCF-style: chr3-113524356-C-G.
Other names: short protein forms S582C.
Identifiers: ClinVar variation 2662166 (VCV002662166.2), dbSNP rs1238560062, ClinGen allele CA353994129.

ClinVar aggregate classification (germline): Uncertain significance (1 of 4 stars; one submission).

Allele frequency attached by ClinVar (database versions not stated): TOPMed 0.00001.

Submission:

GeneDx
Classification: Uncertain significance. Last evaluated: 2026-03-27. Review status: criteria provided, single submitter. Criteria: GeneDx Variant Classification Process June 2021. Collection method: clinical testing. Allele origin: germline.
Comment: Not observed at significant frequency in large population cohorts (gnomAD); In silico analysis supports that this missense variant has a deleterious effect on protein structure/function; Has not been previously published as pathogenic or benign to our knowledge